The following is an entry in ClinVar:

ClinVar aggregate classification (germline): Uncertain significance. Review status: criteria provided, multiple submitters, no conflicts (2 of 4 stars). 2 submissions from 2 submitters: Uncertain significance (2). Last evaluated 2025-10-15.

Allele frequency attached by ClinVar (database versions not stated): ExAC 0.00001; ESP Exome Variant Server 0.00008; gnomAD exomes 0.00004; TOPMed 0.00004; gnomAD 0.00004.
gnomAD v4.1: 51 of 1,613,798 alleles (0.0032%); highest among the groups gnomAD compares: Admixed American, 0.005%; no homozygotes.

Submissions (2):

Ambry Genetics
Classification: Uncertain significance. Last evaluated: 2025-10-15. Review status: criteria provided, single submitter. Criteria: Ambry Variant Classification Scheme 2023. Collection method: clinical testing. Allele origin: germline.

GeneDx
Classification: Uncertain significance. Last evaluated: 2019-03-27. Review status: criteria provided, single submitter. Criteria: GeneDx Variant Classification Process June 2021. Collection method: clinical testing. Allele origin: germline. Affected: yes.
Comment: In silico analysis, which includes protein predictors and evolutionary conservation, supports that this variant does not alter protein structure/function; Has not been previously published as pathogenic or benign to our knowledge.

NM_002161.6(IARS1):c.2186T>C (p.Ile729Thr)

Gene: IARS1 (isoleucyl-tRNA synthetase 1; minus strand). Cytogenetic location: 9q22.31.
Variant type: single nucleotide variant.
Coding change: c.2186T>C on transcript NM_002161.6 (MANE Select); coding-DNA position 2186, T replaced by C.
Protein change: p.Ile729Thr; replaces isoleucine 729 with threonine.
Molecular consequence: missense variant. On other transcripts: non-coding transcript variant (1), intron variant (1).
Genome position (GRCh38, 1-based): chr9:92,253,405, A>G on the plus strand (T>C on the coding strand, the complement: IARS1 is on the minus strand). VCF-style: chr9-92253405-A-G. GRCh37 (hg19) VCF-style: chr9-95015687-A-G.
Other names: c.2186T>C, p.Ile729Thr (NM_001374299.1, NM_001374300.1, NM_001378572.1 and 12 more transcripts); c.2102T>C, p.Ile701Thr (NM_001374301.1); c.2249T>C, p.Ile750Thr (NM_001378569.1); c.2207T>C, p.Ile736Thr (NM_001378571.1); c.2186T>C (NM_013417.2); c.2063T>C, p.Ile688Thr (NM_001378583.1); c.2134-1520T>C (NM_001378582.1); short protein forms I688T, I701T, I729T, I736T, I750T.
Identifiers: ClinVar variation 1302187 (VCV001302187.3), dbSNP rs372260122, ClinGen allele CA5122326.